The following is an entry in ClinVar:

ClinVar aggregate classification (germline): Likely benign (1 of 4 stars; one submission).

Allele frequency attached by ClinVar (database versions not stated): gnomAD 0.00003; ExAC 0.00005.

Submission:

CeGaT Center for Human Genetics Tuebingen
Classification: Likely benign. Last evaluated: 2024-04-01. Review status: criteria provided, single submitter. Criteria: CeGaT Center For Human Genetics Tuebingen Variant Classification Criteria Version 2. Collection method: clinical testing. Allele origin: germline. Affected: yes. Observed: 2 variant alleles.
Comment: CUX2: BP4, BP7

NM_015267.4(CUX2):c.2889C>T (p.Leu963=)

Gene: CUX2 (cut like homeobox 2; plus strand). Cytogenetic location: 12q24.12.
Variant type: single nucleotide variant.
Coding change: c.2889C>T on transcript NM_015267.4 (MANE Select); coding-DNA position 2889, C replaced by T.
Protein change: p.Leu963=; no amino-acid change (leucine 963 retained).
Molecular consequence: synonymous variant.
Genome position (GRCh38, 1-based): chr12:111,322,543, C>T. VCF-style: chr12-111322543-C-T. GRCh37 (hg19) VCF-style: chr12-111760347-C-T.
Other names: c.2703C>T, p.Leu901= (NM_001370598.1).
Identifiers: ClinVar variation 3025781 (VCV003025781.22), dbSNP rs762424106, ClinGen allele CA6788971.